The following is an entry in ClinVar:

ClinVar aggregate classification (germline): Uncertain significance (1 of 4 stars; one submission).

Submission:

Ambry Genetics
Classification: Uncertain significance. Last evaluated: 2024-01-07. Review status: criteria provided, single submitter. Criteria: Ambry Variant Classification Scheme 2023. Collection method: clinical testing. Allele origin: germline.
Comment: The p.I878V variant (also known as c.2632A>G), located in coding exon 22 of the BUB1 gene, results from an A to G substitution at nucleotide position 2632. The isoleucine at codon 878 is replaced by valine, an amino acid with highly similar properties. This amino acid position is conserved. In addition, this alteration is predicted to be tolerated by in silico analysis. Since supporting evidence is limited at this time, the clinical significance of this alteration remains unclear.

NM_004336.5(BUB1):c.2632A>G (p.Ile878Val)

Gene: BUB1 (BUB1 mitotic checkpoint serine/threonine kinase; minus strand). Cytogenetic location: 2q13.
Variant type: single nucleotide variant.
Coding change: c.2632A>G on transcript NM_004336.5 (MANE Select); coding-DNA position 2632, A replaced by G.
Protein change: p.Ile878Val; replaces isoleucine 878 with valine.
Molecular consequence: missense variant. On other transcripts: intron variant (1).
Genome position (GRCh38, 1-based): chr2:110,641,458, T>C on the plus strand (A>G on the coding strand, the complement: BUB1 is on the minus strand). VCF-style: chr2-110641458-T-C. GRCh37 (hg19) VCF-style: chr2-111399035-T-C.
Other names: c.2572A>G, p.Ile858Val (NM_001278616.2); c.2625+184A>G (NM_001278617.2); short protein forms I858V, I878V.
Identifiers: ClinVar variation 3224059 (VCV003224059.1), dbSNP rs2467971332, ClinGen allele CA348089972.